The following is an entry in ClinVar:

ClinVar aggregate classification (germline): Pathogenic (1 of 4 stars; one submission).

Submission:

GeneDx
Classification: Pathogenic. Last evaluated: 2016-03-21. Review status: criteria provided, single submitter. Criteria: GeneDx Variant Classification (06012015). Collection method: clinical testing. Allele origin: germline. Affected: yes.
Comment: The c.1803_1805delGAAinsTC pathogenic variant in the PEX5 gene has not been reported previously as a pathogenic variant nor as a benign variant, to our knowledge. The c.1803_1805delGAAinsTC variant causes a frameshift starting with codon Glutamic acid 601, changes this amino acid to a Aspartic acid residue, and creates a premature Stop codon at position 14 of the new reading frame, denoted p.Glu601AspfsX14. This variant is predicted to cause loss of normal protein function through protein truncation with the last 39 amino acids replaced by 13 incorrect amino acids. The c.1803_1805delGAAinsTC variant was not observed in approximately 6500 individuals of European and African American ancestry in the NHLBI Exome Sequencing Project, indicating it is not a common benign variant in these populations. We interpret c.1803_1805delGAAinsTC as a pathogenic variant.

NM_001351132.2(PEX5):c.1803_1805delinsTC (p.Glu601fs)

Gene: PEX5 (peroxisomal biogenesis factor 5; plus strand). Cytogenetic location: 12p13.31.
Variant type: Indel.
Coding change: c.1803_1805delinsTC on transcript NM_001351132.2 (MANE Select); coding-DNA positions 1803 to 1805, GAA replaced by TC.
Protein change: p.Glu601fs; shifts the reading frame from glutamic acid 601.
Molecular consequence: frameshift variant.
Genome position (GRCh38, 1-based): chr12:7,210,106-7,210,108, GAA replaced by TC. VCF-style: chr12-7210106-GAA-TC. GRCh37 (hg19) VCF-style: chr12-7362702-GAA-TC.
Other names: c.1779_1781delinsTC, p.Glu593fs (NM_000319.5); c.1848_1850delinsTC, p.Glu616fs (NM_001131023.2); c.1692_1694delinsTC, p.Glu564fs (NM_001131024.2, NM_001351124.3, NM_001351126.2 and 7 more transcripts); c.1803_1805delinsTC, p.Glu601fs (NM_001131025.2, NM_001131026.2, NM_001300789.3 and 4 more transcripts); c.1737_1739delinsTC, p.Glu579fs (NM_001351135.3, NM_001351138.2); c.1794_1796delinsTC, p.Glu598fs (NM_001351136.2); c.1668_1670delinsTC, p.Glu556fs (NM_001351139.2, NM_001351140.2, NM_001374649.2); c.1803_1805delGAAinsTC (NM_001131025.1); short protein forms E598fs, E601fs, E556fs, E564fs, E579fs, E593fs, E616fs.
Identifiers: ClinVar variation 280450 (VCV000280450.2), dbSNP rs886041656, ClinGen allele CA10603204.